The following is an entry in ClinVar:

NM_000059.4(BRCA2):c.3119C>A (p.Thr1040Asn)

Gene: BRCA2 (BRCA2 DNA repair associated; plus strand). Cytogenetic location: 13q13.1.
Variant type: single nucleotide variant.
Coding change: c.3119C>A on transcript NM_000059.4 (MANE Select); coding-DNA position 3119, C replaced by A.
Protein change: p.Thr1040Asn; replaces threonine 1040 with asparagine.
Molecular consequence: missense variant.
Genome position (GRCh38, 1-based): chr13:32,337,474, C>A. VCF-style: chr13-32337474-C-A. GRCh37 (hg19) VCF-style: chr13-32911611-C-A.
Other names: short protein forms T1040N.
Identifiers: ClinVar variation 920611 (VCV000920611.6), dbSNP rs587781475, ClinGen allele CA387775477.
Genomic context (GRCh38, chr13:32,337,474, plus strand): 5'-CTGAACATAACATTAAGAAGAGCAAAATGTTCTTCAAAGATATTGAAGAACAATATCCTA[C>A]TAGTTTAGCTTGTGTTGAAATTGTAAATACCTTGGCATTAGATAATCAAAAGAAACTGAG-3'
Protein context (NP_000050.3, residues 1030-1050): FFKDIEEQYP[Thr1040Asn]SLACVEIVNT

ClinVar aggregate classification (germline): Conflicting classifications of pathogenicity. Review status: criteria provided, conflicting classifications (1 of 4 stars). 2 submissions from 2 submitters: Uncertain significance (1); Likely benign (1). Last evaluated 2023-12-05.

Conditions:
Hereditary cancer-predisposing syndrome. Also called: Neoplastic Syndromes, Hereditary; Tumor predisposition; Hereditary Cancer Syndrome; Hereditary neoplastic syndrome. Identifiers: Orphanet 140162, MedGen C0027672, MeSH D009386, MONDO:0015356.

gnomAD v4.1: 2 of 1,610,466 alleles (0.00012%); highest among the groups gnomAD compares: Non-Finnish European, 0.00017%; no homozygotes.

Submissions (2):

Color Diagnostics, LLC DBA Color Health
Classification: Uncertain significance for Hereditary cancer-predisposing syndrome. Last evaluated: 2023-12-05. Review status: criteria provided, single submitter. Criteria: ACMG Guidelines, 2015. Collection method: clinical testing. Allele origin: germline.
Comment: This missense variant replaces threonine with asparagine at codon 1040 of the BRCA2 protein. Computational prediction suggests that this variant may not impact protein structure and function (internally defined REVEL score threshold <= 0.5, PMID: 27666373). To our knowledge, functional studies have not been reported for this variant. This variant has not been reported in individuals affected with BRCA2-related disorders in the literature. This variant has not been identified in the general population by the Genome Aggregation Database (gnomAD). The available evidence is insufficient to determine the role of this variant in disease conclusively. Therefore, this variant is classified as a Variant of Uncertain Significance.

University of Washington Department of Laboratory Medicine, University of Washington
Classification: Likely benign for Hereditary cancer-predisposing syndrome. Last evaluated: 2023-03-23. Review status: criteria provided, single submitter. Criteria: Dines et al. (Genet Med. 2020). Collection method: curation. Allele origin: germline.
Comment: Missense variant in a coldspot region where missense variants are very unlikely to be pathogenic (PMID:31911673).

BRCA2 exon 11 coldspot. Reclassification based on statistical prior probability.